The following is an entry in ClinVar:

NM_000271.5(NPC1):c.574T>C (p.Tyr192His)

Gene: NPC1 (NPC intracellular cholesterol transporter 1; minus strand). Cytogenetic location: 18q11.2.
Variant type: single nucleotide variant.
Coding change: c.574T>C on transcript NM_000271.5 (MANE Select); coding-DNA position 574, T replaced by C.
Protein change: p.Tyr192His; replaces tyrosine 192 with histidine.
Molecular consequence: missense variant.
Genome position (GRCh38, 1-based): chr18:23,561,417, A>G on the plus strand (T>C on the coding strand, the complement: NPC1 is on the minus strand). VCF-style: chr18-23561417-A-G. GRCh37 (hg19) VCF-style: chr18-21141381-A-G.
Other names: short protein forms Y192H.
Identifiers: ClinVar variation 1705807 (VCV001705807.7), dbSNP rs556117842, ClinGen allele CA297075236.

ClinVar aggregate classification (germline): Conflicting classifications of pathogenicity. Review status: criteria provided, conflicting classifications (1 of 4 stars). 3 submissions from 3 submitters: Likely pathogenic (1); Uncertain significance (2). Last evaluated 2026-04-23.

Conditions:
Niemann-Pick disease, type C1. Also called: NEUROVISCERAL STORAGE DISEASE WITH VERTICAL SUPRANUCLEAR OPHTHALMOPLEGIA; NIEMANN-PICK DISEASE WITH CHOLESTEROL ESTERIFICATION BLOCK; NIEMANN-PICK DISEASE WITHOUT SPHINGOMYELINASE DEFICIENCY; NIEMANN-PICK DISEASE, CHRONIC NEURONOPATHIC FORM; NIEMANN-PICK DISEASE, VARIANT TYPE C1. Identifiers: Orphanet 646, MedGen C3179455, MONDO:0009757, OMIM 257220.

Allele frequency attached by ClinVar (database versions not stated): gnomAD 0.00001; TOPMed 0.00001; 1000 Genomes Project 30x 0.00016; 1000 Genomes Project 0.00020.
gnomAD v4.1: 1 of 1,614,056 alleles (0.000062%); highest among the groups gnomAD compares: Non-Finnish European, 0.000085%; no homozygotes.

Submissions (3):

Myriad Genetics, Inc.
Classification: Uncertain significance for Niemann-Pick disease, type C1. Last evaluated: 2026-04-23. Review status: criteria provided, single submitter. Criteria: Myriad Autosomal Dominant, Autosomal Recessive and X-Linked Classification Criteria (2023). Collection method: clinical testing. Allele origin: unknown.
Comment: NM_000271.4(NPC1):c.574T>C(Y192H) is a missense variant classified as a variant of uncertain significance in the context of Niemann-Pick disease type C1. Y192H has been observed in cases with relevant disease (PMID: 37433892). Relevant functional assessments of this variant are not available in the literature. Y192H has not been observed in referenced population frequency databases. In summary, there is insufficient evidence to classify NM_000271.4(NPC1):c.574T>C(Y192H) as pathogenic or benign. Please note: this variant was assessed in the context of healthy population screening.

Labcorp Genetics (formerly Invitae), Labcorp
Classification: Uncertain significance for Niemann-Pick disease, type C1. Last evaluated: 2023-07-10. Review status: criteria provided, single submitter. Criteria: Invitae Variant Classification Sherloc (09022015). Collection method: clinical testing. Allele origin: germline.
Comment: ClinVar contains an entry for this variant (Variation ID: 1705807). This variant has not been reported in the literature in individuals affected with NPC1-related conditions. This variant is not present in population databases (gnomAD no frequency). This sequence change replaces tyrosine, which is neutral and polar, with histidine, which is basic and polar, at codon 192 of the NPC1 protein (p.Tyr192His). In summary, the available evidence is currently insufficient to determine the role of this variant in disease. Therefore, it has been classified as a Variant of Uncertain Significance. Advanced modeling of protein sequence and biophysical properties (such as structural, functional, and spatial information, amino acid conservation, physicochemical variation, residue mobility, and thermodynamic stability) performed at Invitae indicates that this missense variant is expected to disrupt NPC1 protein function.

CENTOGENE GmbH and LLC - Guiding Precision Medicine
Classification: Likely pathogenic for Niemann-Pick disease, type C1. Last evaluated: 2022-08-30. Review status: criteria provided, single submitter. Criteria: ACMG Guidelines, 2015. Collection method: clinical testing. Allele origin: germline. Affected: yes.

Literature cited by the submitters: PubMed 37433892 (cited by Myriad Genetics, Inc.).